The following is an entry in ClinVar:

ClinVar aggregate classification (germline): Uncertain significance. Review status: criteria provided, multiple submitters, no conflicts (2 of 4 stars). 2 submissions from 2 submitters: Uncertain significance (2). Last evaluated 2025-04-14.

Conditions:
Multiple endocrine neoplasia, type 2 (MEN2). Identifiers: Orphanet 653, MedGen C4048306, MONDO:0019003. Disease mechanism: gain of function.
Hereditary cancer-predisposing syndrome. Also called: Neoplastic Syndromes, Hereditary; Hereditary Cancer Syndrome; Tumor predisposition; Hereditary neoplastic syndrome. Identifiers: Orphanet 140162, MedGen C0027672, MeSH D009386, MONDO:0015356.

Submissions (2):

Ambry Genetics
Classification: Uncertain significance for Hereditary cancer-predisposing syndrome. Last evaluated: 2025-04-14. Review status: criteria provided, single submitter. Criteria: Ambry Variant Classification Scheme 2023. Collection method: clinical testing. Allele origin: germline.
Comment: The p.S457L variant (also known as c.1370C>T), located in coding exon 7 of the RET gene, results from a C to T substitution at nucleotide position 1370. The serine at codon 457 is replaced by leucine, an amino acid with dissimilar properties. This amino acid position is conserved. In addition, this alteration is predicted to be tolerated by in silico analysis. Based on the available evidence, the clinical significance of this variant remains unclear.

Labcorp Genetics (formerly Invitae), Labcorp
Classification: Uncertain significance for Multiple endocrine neoplasia, type 2. Last evaluated: 2022-01-12. Review status: criteria provided, single submitter. Criteria: Invitae Variant Classification Sherloc (09022015). Collection method: clinical testing. Allele origin: germline.
Comment: In summary, the available evidence is currently insufficient to determine the role of this variant in disease. Therefore, it has been classified as a Variant of Uncertain Significance. Algorithms developed to predict the effect of missense changes on protein structure and function are either unavailable or do not agree on the potential impact of this missense change (SIFT: "Deleterious"; PolyPhen-2: "Possibly Damaging"; Align-GVGD: "Class C0"). ClinVar contains an entry for this variant (Variation ID: 854722). This variant has not been reported in the literature in individuals affected with RET-related conditions. This variant is not present in population databases (gnomAD no frequency). This sequence change replaces serine, which is neutral and polar, with leucine, which is neutral and non-polar, at codon 457 of the RET protein (p.Ser457Leu).

NM_020975.6(RET):c.1370C>T (p.Ser457Leu)

Gene: RET (ret proto-oncogene; plus strand). Cytogenetic location: 10q11.21.
Variant type: single nucleotide variant.
Coding change: c.1370C>T on transcript NM_020975.6 (MANE Select); coding-DNA position 1370, C replaced by T.
Protein change: p.Ser457Leu; replaces serine 457 with leucine.
Molecular consequence: missense variant.
Genome position (GRCh38, 1-based): chr10:43,111,313, C>T. VCF-style: chr10-43111313-C-T. GRCh37 (hg19) VCF-style: chr10-43606761-C-T.
Other names: c.1370C>T, p.Ser457Leu (NM_000323.2, NM_001406743.1, NM_001406744.1 and 6 more transcripts); c.608C>T, p.Ser203Leu (NM_001355216.2); c.1241C>T, p.Ser414Leu (NM_001406761.1, NM_001406762.1, NM_001406764.1 and 1 more transcripts); c.1082C>T, p.Ser361Leu (NM_001406766.1, NM_001406767.1, NM_001406770.1); c.974C>T, p.Ser325Leu (NM_001406769.1, NM_001406772.1); c.932C>T, p.Ser311Leu (NM_001406771.1, NM_001406773.1); c.845C>T, p.Ser282Leu (NM_001406774.1); c.644C>T, p.Ser215Leu (NM_001406775.1, NM_001406776.1, NM_001406777.1 and 1 more transcripts); and 1 more; short protein forms S203L, S457L, S127L, S282L, S361L, S215L, S325L, S311L.
Identifiers: ClinVar variation 854722 (VCV000854722.11), dbSNP rs1837918176, ClinGen allele CA376549260.
Genomic context (GRCh38, chr10:43,111,313, plus strand): 5'-ACGTCCAGTACAAGCTGCATTCCTCTGGTGCCAACTGCAGCACGCTAGGGGTGGTCACCT[C>T]AGCCGAGGACACCTCGGGGATCCTGTTTGTGAATGACACCAAGGCCCTGCGGCGGCCCAA-3'
Protein context (NP_066124.1, residues 447-467): ANCSTLGVVT[Ser457Leu]AEDTSGILFV